The following is an entry in ClinVar:

NM_001374828.1(ARID1B):c.7106T>G (p.Ile2369Ser)

Gene: ARID1B (AT-rich interaction domain 1B; plus strand). Cytogenetic location: 6q25.3.
Variant type: single nucleotide variant.
Coding change: c.7106T>G on transcript NM_001374828.1 (MANE Select); coding-DNA position 7106, T replaced by G.
Protein change: p.Ile2369Ser; replaces isoleucine 2369 with serine.
Molecular consequence: missense variant.
Genome position (GRCh38, 1-based): chr6:157,207,878, T>G. VCF-style: chr6-157207878-T-G. GRCh37 (hg19) VCF-style: chr6-157529012-T-G.
Other names: c.4607T>G, p.Ile1536Ser (NM_001363725.2); c.6986T>G, p.Ile2329Ser (NM_001371656.1, NM_001374820.1); c.6947T>G, p.Ile2316Ser (NM_017519.3); c.6737T>G (NM_020732.3); short protein forms I1536S, I2316S, I2329S, I2369S.
Identifiers: ClinVar variation 3897268 (VCV003897268.1).

ClinVar aggregate classification (germline): Uncertain significance (1 of 4 stars; one submission).

Submission:

GeneDx
Classification: Uncertain significance. Last evaluated: 2024-10-30. Review status: criteria provided, single submitter. Criteria: GeneDx Variant Classification Process June 2021. Collection method: clinical testing. Allele origin: germline. Affected: yes.
Comment: Not observed at significant frequency in large population cohorts (gnomAD); In silico analysis supports that this missense variant has a deleterious effect on protein structure/function; In silico analysis is inconclusive as to whether the variant alters gene splicing. In the absence of RNA/functional studies, the actual effect of this sequence change is unknown.; Has not been previously published as pathogenic or benign to our knowledge